The following is an entry in ClinVar:

NM_012470.4(TNPO3):c.1011+4G>A

Gene: TNPO3 (transportin 3; minus strand). Cytogenetic location: 7q32.1.
Variant type: single nucleotide variant.
Coding change: c.1011+4G>A on transcript NM_012470.4 (MANE Select); 4 bases into the intron after coding-DNA position 1011, G replaced by A.
Molecular consequence: intron variant.
Genome position (GRCh38, 1-based): chr7:129,000,425, C>T on the plus strand (G>A on the coding strand, the complement: TNPO3 is on the minus strand). VCF-style: chr7-129000425-C-T. GRCh37 (hg19) VCF-style: chr7-128640479-C-T.
Other names: c.867+4G>A (NM_001382221.1); c.1011+4G>A (NM_001382222.1, NM_001382219.1, NM_001382223.1 and 4 more transcripts); c.1092+4G>A (NM_001382217.1).
Identifiers: ClinVar variation 2031260 (VCV002031260.4), dbSNP rs2536243547, ClinGen allele CA2580076568.

ClinVar aggregate classification (germline): Uncertain significance (1 of 4 stars; one submission).

Conditions:
Autosomal dominant limb-girdle muscular dystrophy type 1F (LGMDD2). Also called: Limb-girdle muscular dystrophy, type 1F; MUSCULAR DYSTROPHY, LIMB-GIRDLE, AUTOSOMAL DOMINANT 2. Identifiers: Orphanet 55595, MedGen C1842062, MONDO:0012034, OMIM 608423.

Submission:

Labcorp Genetics (formerly Invitae), Labcorp
Classification: Uncertain significance for Autosomal dominant limb-girdle muscular dystrophy type 1F. Last evaluated: 2025-06-23. Review status: criteria provided, single submitter. Criteria: Invitae Variant Classification Sherloc (09022015). Collection method: clinical testing. Allele origin: germline.
Comment: This sequence change falls in intron 7 of the TNPO3 gene. It does not directly change the encoded amino acid sequence of the TNPO3 protein. It affects a nucleotide within the consensus splice site. This variant is not present in population databases (gnomAD no frequency). This variant has not been reported in the literature in individuals affected with TNPO3-related conditions. ClinVar contains an entry for this variant (Variation ID: 2031260). Variants that disrupt the consensus splice site are a relatively common cause of aberrant splicing (PMID: 17576681, 9536098). Algorithms developed to predict the effect of sequence changes on RNA splicing suggest that this variant is not likely to affect RNA splicing. In summary, the available evidence is currently insufficient to determine the role of this variant in disease. Therefore, it has been classified as a Variant of Uncertain Significance.

Literature cited by the submitters: PubMed 17576681; PubMed 9536098.